The following is an entry in ClinVar:

NM_001297.5(CNGB1):c.3235A>G (p.Lys1079Glu)

Gene: CNGB1 (cyclic nucleotide gated channel subunit beta 1; minus strand). Cytogenetic location: 16q21.
Variant type: single nucleotide variant.
Coding change: c.3235A>G on transcript NM_001297.5 (MANE Select); coding-DNA position 3235, A replaced by G.
Protein change: p.Lys1079Glu; replaces lysine 1079 with glutamic acid.
Molecular consequence: missense variant.
Genome position (GRCh38, 1-based): chr16:57,897,404, T>C on the plus strand (A>G on the coding strand, the complement: CNGB1 is on the minus strand). VCF-style: chr16-57897404-T-C. GRCh37 (hg19) VCF-style: chr16-57931308-T-C.
Other names: c.3217A>G, p.Lys1073Glu (NM_001286130.2); short protein forms K1073E, K1079E.
Identifiers: ClinVar variation 1406238 (VCV001406238.6), dbSNP rs1960260452, ClinGen allele CA396065796.
Genomic context (GRCh38, chr16:57,897,404, plus strand): 5'-AGAAATTCATTGTCCTTAGCAATTTTTTATTAAACGAAAGAAAAGTTACATACCTGGCTT[T>C]CTTCCGGAGTAACTTCTGAGACTCAGGATAATGCACCAAAATCTCATTCAGGTCCTTCTT-3'
Protein context (NP_001288.3, residues 1069-1089): YPESQKLLRK[Lys1079Glu]ARRMLRSNNK

ClinVar aggregate classification (germline): Uncertain significance (1 of 4 stars; one submission).

Allele frequency attached by ClinVar (database versions not stated): TOPMed below 0.00001.

Submission:

Labcorp Genetics (formerly Invitae), Labcorp
Classification: Uncertain significance. Last evaluated: 2021-08-02. Review status: criteria provided, single submitter. Criteria: Invitae Variant Classification Sherloc (09022015). Collection method: clinical testing. Allele origin: germline.
Comment: In summary, the available evidence is currently insufficient to determine the role of this variant in disease. Therefore, it has been classified as a Variant of Uncertain Significance. Algorithms developed to predict the effect of missense changes on protein structure and function are either unavailable or do not agree on the potential impact of this missense change (SIFT: "Deleterious"; PolyPhen-2: "Probably Damaging"; Align-GVGD: "Class C15"). This variant has not been reported in the literature in individuals affected with CNGB1-related conditions. This variant is not present in population databases (ExAC no frequency). This sequence change replaces lysine with glutamic acid at codon 1079 of the CNGB1 protein (p.Lys1079Glu). The lysine residue is highly conserved and there is a small physicochemical difference between lysine and glutamic acid.